The following is an entry in ClinVar:

NM_001165963.4(SCN1A):c.2768T>C (p.Ile923Thr)

Gene: SCN1A (sodium voltage-gated channel alpha subunit 1; minus strand). Cytogenetic location: 2q24.3.
Variant type: single nucleotide variant.
Coding change: c.2768T>C on transcript NM_001165963.4 (MANE Select); coding-DNA position 2768, T replaced by C.
Protein change: p.Ile923Thr; replaces isoleucine 923 with threonine.
Molecular consequence: missense variant. On other transcripts: non-coding transcript variant (1).
Genome position (GRCh38, 1-based): chr2:166,037,954, A>G on the plus strand (T>C on the coding strand, the complement: SCN1A is on the minus strand). VCF-style: chr2-166037954-A-G. GRCh37 (hg19) VCF-style: chr2-166894464-A-G.
Other names: c.2684T>C, p.Ile895Thr (NM_001165964.3, NM_001353957.2, NM_001353958.2); c.2768T>C, p.Ile923Thr (NM_001202435.3, NM_001353948.2); c.2735T>C, p.Ile912Thr (NM_001353949.2, NM_001353950.2, NM_001353951.2 and 2 more transcripts); c.2732T>C, p.Ile911Thr (NM_001353954.2, NM_001353955.2); c.2681T>C, p.Ile894Thr (NM_001353960.2); c.326T>C, p.Ile109Thr (NM_001353961.2); short protein forms I109T, I894T, I895T, I911T, I912T, I923T.
Identifiers: ClinVar variation 3770094 (VCV003770094.1).

ClinVar aggregate classification (germline): Uncertain significance (1 of 4 stars; one submission).

Submission:

GeneDx
Classification: Uncertain significance. Last evaluated: 2024-09-11. Review status: criteria provided, single submitter. Criteria: GeneDx Variant Classification Process June 2021. Collection method: clinical testing. Allele origin: germline. Affected: yes.
Comment: Not observed at significant frequency in large population cohorts (gnomAD); In silico analysis supports that this missense variant has a deleterious effect on protein structure/function; Has not been previously published as pathogenic or benign to our knowledge; This substitution is predicted to be within the extracellular loop between the S5 and S6 transmembrane segments of the second homologous domain